The following is an entry in ClinVar:

NM_000548.5(TSC2):c.1793A>T (p.Tyr598Phe)

Gene: TSC2 (TSC complex subunit 2; plus strand). Cytogenetic location: 16p13.3.
Variant type: single nucleotide variant.
Coding change: c.1793A>T on transcript NM_000548.5 (MANE Select); coding-DNA position 1793, A replaced by T.
Protein change: p.Tyr598Phe; replaces tyrosine 598 with phenylalanine.
Molecular consequence: missense variant.
Genome position (GRCh38, 1-based): chr16:2,070,532, A>T. VCF-style: chr16-2070532-A-T. GRCh37 (hg19) VCF-style: chr16-2120533-A-T.
Other names: c.1793A>T, p.Tyr598Phe (NM_001077183.3, NM_001114382.3, NM_001363528.2 and 3 more transcripts); c.1682A>T, p.Tyr561Phe (NM_001318827.2); c.1646A>T, p.Tyr549Phe (NM_001318829.2); c.1193A>T, p.Tyr398Phe (NM_001318831.2); c.1826A>T, p.Tyr609Phe (NM_001318832.2); short protein forms Y598F, Y398F, Y549F, Y561F, Y609F.
Identifiers: ClinVar variation 646479 (VCV000646479.13), dbSNP rs45509791, ClinGen allele CA394272931.
Genomic context (GRCh38, chr16:2,070,532, plus strand): 5'-TGCCTGCAAGCCACGCCACGCGTGTGTATGAGATGCTGGTCAGCCACATTCAGCTCCACT[A>T]CAAGCACAGCTACACCCTGCCAATCGCGAGCAGCATCCGGCTGCAGGTATGGTGGCTGGG-3'
Protein context (NP_000539.2, residues 588-608): EMLVSHIQLH[Tyr598Phe]KHSYTLPIAS

ClinVar aggregate classification (germline): Uncertain significance. Review status: criteria provided, multiple submitters, no conflicts (2 of 4 stars). 3 submissions from 3 submitters: Uncertain significance (3). Last evaluated 2025-08-21.

Conditions:
Tuberous sclerosis 2 (TSC2). Identifiers: Orphanet 805, MedGen C1860707, MONDO:0013199, OMIM 613254.
Hereditary cancer-predisposing syndrome. Also called: Neoplastic Syndromes, Hereditary; Hereditary Cancer Syndrome; Hereditary neoplastic syndrome; Tumor predisposition. Identifiers: Orphanet 140162, MedGen C0027672, MeSH D009386, MONDO:0015356.
Tuberous sclerosis syndrome (TSC). Also called: Tuberous sclerosis; Tuberous Sclerosis Complex. Identifiers: Orphanet 805, MedGen C0041341, MONDO:0001734.

Allele frequency attached by ClinVar (database versions not stated): gnomAD exomes below 0.00001; TOPMed 0.00001.
gnomAD v4.1: 2 of 1,613,316 alleles (0.00012%); highest among the groups gnomAD compares: Admixed American, 0.0033%; no homozygotes.

Submissions (3):

Labcorp Genetics (formerly Invitae), Labcorp
Classification: Uncertain significance for Tuberous sclerosis 2. Last evaluated: 2025-08-21. Review status: criteria provided, single submitter. Criteria: Invitae Variant Classification Sherloc (09022015). Collection method: clinical testing. Allele origin: germline.
Comment: This sequence change replaces tyrosine, which is neutral and polar, with phenylalanine, which is neutral and non-polar, at codon 598 of the TSC2 protein (p.Tyr598Phe). This variant is not present in population databases (gnomAD no frequency). This variant has not been reported in the literature in individuals affected with TSC2-related conditions. ClinVar contains an entry for this variant (Variation ID: 646479). Invitae Evidence Modeling of protein sequence and biophysical properties (such as structural, functional, and spatial information, amino acid conservation, physicochemical variation, residue mobility, and thermodynamic stability) indicates that this missense variant is not expected to disrupt TSC2 protein function with a negative predictive value of 95%. This variant disrupts the p.Tyr598 amino acid residue in TSC2. Other variant(s) that disrupt this residue have been determined to be pathogenic (PMID: 18302728, 21309039, 21520333, 22903760). This suggests that this residue is clinically significant, and that variants that disrupt this residue are likely to be disease-causing. In summary, the available evidence is currently insufficient to determine the role of this variant in disease. Therefore, it has been classified as a Variant of Uncertain Significance.

Ambry Genetics
Classification: Uncertain significance for Hereditary cancer-predisposing syndrome. Last evaluated: 2024-11-26. Review status: criteria provided, single submitter. Criteria: Ambry Variant Classification Scheme 2023. Collection method: clinical testing. Allele origin: germline.
Comment: The p.Y598F variant (also known as c.1793A>T), located in coding exon 16 of the TSC2 gene, results from an A to T substitution at nucleotide position 1793. The tyrosine at codon 598 is replaced by phenylalanine, an amino acid with highly similar properties. This amino acid position is highly conserved in available vertebrate species. In addition, this alteration is predicted to be deleterious by in silico analysis. Based on the available evidence, the clinical significance of this variant remains unclear.

All of Us Research Program, National Institutes of Health
Classification: Uncertain significance for Tuberous sclerosis syndrome. Last evaluated: 2023-08-15. Review status: criteria provided, single submitter. Criteria: ACMG Guidelines, 2015. Collection method: clinical testing. Allele origin: germline. Inheritance: Autosomal dominant inheritance. Observed: 1 variant allele, 1 heterozygote.
Comment: This missense variant replaces tyrosine with phenylalanine at codon 598 of the TSC2 protein. Computational prediction suggests that this variant may have deleterious impact on protein structure and function (internally defined REVEL score threshold >= 0.7, PMID: 27666373). To our knowledge, functional studies have not been reported for this variant. This variant has not been reported in individuals affected with hereditary cancer in the literature. This variant has not been identified in the general population by the Genome Aggregation Database (gnomAD). Different variants affecting the same codon, c.1793A>G (p.Tyr598Cys) & c.1792T>C (p.Tyr598His), are considered to be disease-causing (ClinVar variation ID: 50162, 49175), suggesting the amino acid at this position is important for the protein function. The available evidence is insufficient to determine the role of this variant in disease conclusively. Therefore, this variant is classified as a Variant of Uncertain Significance.

This study involves interpretation of variants in research participants for the purpose of population health screening. Participant phenotype was not available at the time of variant classification. Additional details can be found in publication PMID: 35346344, PMCID: PMC8962531

Literature cited by the submitters: PubMed 18302728 (cited by Labcorp Genetics (formerly Invitae), Labcorp); PubMed 21309039 (cited by Labcorp Genetics (formerly Invitae), Labcorp); PubMed 21520333 (cited by Labcorp Genetics (formerly Invitae), Labcorp); PubMed 22903760 (cited by Labcorp Genetics (formerly Invitae), Labcorp).